The following is an entry in ClinVar:

NM_000368.5(TSC1):c.2101C>T (p.Gln701Ter)

Gene: TSC1 (TSC complex subunit 1; minus strand). Cytogenetic location: 9q34.13.
Variant type: single nucleotide variant.
Coding change: c.2101C>T on transcript NM_000368.5 (MANE Select); coding-DNA position 2101, C replaced by T.
Protein change: p.Gln701Ter; replaces glutamine 701 with a stop codon.
Molecular consequence: nonsense.
Genome position (GRCh38, 1-based): chr9:132,903,758, G>A on the plus strand (C>T on the coding strand, the complement: TSC1 is on the minus strand). VCF-style: chr9-132903758-G-A. GRCh37 (hg19) VCF-style: chr9-135779145-G-A.
Other names: c.2098C>T, p.Gln700Ter (NM_001162426.2); c.1948C>T, p.Gln650Ter (NM_001162427.2); c.1738C>T, p.Gln580Ter (NM_001362177.2); short protein forms Q580*, Q650*, Q700*, Q701*.
Identifiers: ClinVar variation 932151 (VCV000932151.8), dbSNP rs1845504382, ClinGen allele CA375361051.
Genomic context (GRCh38, chr9:132,903,758, plus strand): 5'-GGAGGAGCCGCCTGTTCCGGAGGGCATGCTGCTGCCTCTTAAAACGCTCATAGAGTAACT[G>A]GTTGTGCAGTAAAAGCAACTGGTCTCGGAGGGTGCGGATCTCATCTGAAGGAGGAGAGCC-3'

ClinVar aggregate classification (germline): Pathogenic. Review status: criteria provided, multiple submitters, no conflicts (2 of 4 stars). 4 submissions from 4 submitters: Pathogenic (3). 1 of the submissions does not count toward it. Last evaluated 2023-03-30.

Conditions:
Tuberous sclerosis 1 (TSC1). Identifiers: Orphanet 805, MedGen C1854465, MONDO:0008612, OMIM 191100.
TSC1-related disorder. Also called: TSC1-related condition.

Submissions (4):

GeneDx
Classification: Pathogenic. Last evaluated: 2023-03-30. Review status: criteria provided, single submitter. Criteria: GeneDx Variant Classification Process June 2021. Collection method: clinical testing. Allele origin: germline. Affected: yes.
Comment: Nonsense variant predicted to result in protein truncation or nonsense mediated decay in a gene for which loss of function is a known mechanism of disease; Not observed at significant frequency in large population cohorts (gnomAD); This variant is associated with the following publications: (PMID: 32313033)

Blueprint Genetics
Classification: Pathogenic for TSC1-related disorders. Last evaluated: 2021-11-29. Review status: criteria provided, single submitter. Criteria: ACMG Guidelines, 2015. Collection method: clinical testing. Allele origin: germline. Affected: yes. Observed: 1 variant allele.

Mayo Clinic Laboratories, Mayo Clinic
Classification: Pathogenic. Last evaluated: 2020-07-08. Review status: criteria provided, single submitter. Criteria: ACMG Guidelines, 2015. Collection method: clinical testing. Allele origin: germline. Observed: 1 variant allele.
Comment: PVS1, PM2, PM6, PP4

Division of Genomic Medicine, Department of Advanced Medicine, Medical Research Institute, Kanazawa Medical University
Classification: Pathogenic for Tuberous sclerosis 1. Last evaluated: 2020-06-09. Review status: no assertion criteria provided. Collection method: clinical testing. Allele origin: germline. Affected: yes. Observed: 1 variant allele. Not counted in ClinVar's aggregate classification.

Literature cited by the submitters: PubMed 32313033 (cited by Mayo Clinic Laboratories, Mayo Clinic).